The following is an entry in ClinVar:

NM_001252024.2(TRPM1):c.445G>A (p.Ala149Thr)

Gene: TRPM1 (transient receptor potential cation channel subfamily M member 1; minus strand). Cytogenetic location: 15q13.3.
Variant type: single nucleotide variant.
Coding change: c.445G>A on transcript NM_001252024.2 (MANE Select); coding-DNA position 445, G replaced by A.
Protein change: p.Ala149Thr; replaces alanine 149 with threonine.
Molecular consequence: missense variant.
Genome position (GRCh38, 1-based): chr15:31,067,927, C>T on the plus strand (G>A on the coding strand, the complement: TRPM1 is on the minus strand). VCF-style: chr15-31067927-C-T. GRCh37 (hg19) VCF-style: chr15-31360130-C-T.
Other names: c.496G>A, p.Ala166Thr (NM_001252020.2); c.379G>A, p.Ala127Thr (NM_002420.6); short protein forms A149T, A127T, A166T.
Identifiers: ClinVar variation 1405311 (VCV001405311.8), dbSNP rs2140963756, ClinGen allele CA391534389.

ClinVar aggregate classification (germline): Uncertain significance (1 of 4 stars; one submission).

Submission:

Labcorp Genetics (formerly Invitae), Labcorp
Classification: Uncertain significance. Last evaluated: 2022-10-13. Review status: criteria provided, single submitter. Criteria: Invitae Variant Classification Sherloc (09022015). Collection method: clinical testing. Allele origin: germline.
Comment: This sequence change replaces alanine, which is neutral and non-polar, with threonine, which is neutral and polar, at codon 127 of the TRPM1 protein (p.Ala127Thr). This variant is not present in population databases (gnomAD no frequency). This variant has not been reported in the literature in individuals affected with TRPM1-related conditions. ClinVar contains an entry for this variant (Variation ID: 1405311). Algorithms developed to predict the effect of missense changes on protein structure and function (SIFT, PolyPhen-2, Align-GVGD) all suggest that this variant is likely to be disruptive. In summary, the available evidence is currently insufficient to determine the role of this variant in disease. Therefore, it has been classified as a Variant of Uncertain Significance.